The following is an entry in ClinVar:

ClinVar aggregate classification (germline): Pathogenic (1 of 4 stars; one submission).

Conditions:
Gamma-aminobutyric acid transaminase deficiency (GABATD). Also called: GABA transaminase deficiency; Gamma aminobutyrate transaminase deficiency; 4 alpha aminobutyrate transaminase deficiency; GABA aminotransaminase deficiency. Identifiers: Orphanet 2066, MedGen C0342708, MONDO:0013166, OMIM 613163.

Submission:

Labcorp Genetics (formerly Invitae), Labcorp
Classification: Pathogenic for Gamma-aminobutyric acid transaminase deficiency. Last evaluated: 2022-04-17. Review status: criteria provided, single submitter. Criteria: Invitae Variant Classification Sherloc (09022015). Collection method: clinical testing. Allele origin: unknown.
Comment: A gross deletion of the genomic region encompassing the full coding sequence of the ABAT gene has been identified. Loss-of-function variants in ABAT are known to be pathogenic (PMID: 20052547, 25738457). The boundaries of this event are unknown as they extend beyond the assayed region for this gene and therefore may encompass additional genes. This variant has not been reported in the literature in individuals affected with ABAT-related conditions. For these reasons, this variant has been classified as Pathogenic.

Literature cited by the submitters: PubMed 20052547; PubMed 25738457.

NC_000016.9:g.(?_8829597)_(8941682_?)del

Genes: PMM2 (phosphomannomutase 2; plus strand), ABAT (4-aminobutyrate aminotransferase; plus strand), TMEM186 (transmembrane protein 186; minus strand). Cytogenetic location: 16p13.2.
Variant type: Deletion.
Identifiers: ClinVar variation 3243341 (VCV003243341.1).